The following is an entry in ClinVar:

ClinVar aggregate classification (germline): Pathogenic (1 of 4 stars; one submission).

Conditions:
Cardio-facio-cutaneous syndrome. Also called: Cardiofaciocutaneous syndrome; CFC syndrome. Identifiers: Orphanet 1340, MedGen C1275081, MONDO:0015280. Disease mechanism: gain of function.

Submission:

Laboratory for Molecular Medicine, Mass General Brigham Personalized Medicine
Classification: Pathogenic for Cardio-facio-cutaneous syndrome. Last evaluated: 2013-04-02. Review status: criteria provided, single submitter. Criteria: LMM Criteria. Collection method: clinical testing. Allele origin: germline. Inheritance: Autosomal dominant inheritance. Observed: 1 variant allele.
Comment: The His574Tyr variant in BRAF has not been reported in the literature nor previo usly identified by our laboratory. In addition, this variant has not been identified in large popul ations by the NHLBI Exome Sequencing Project. Computational analyses (biochemical amino acid properties, conservation, AlignG VGD, PolyPhen2, and SIFT) suggest that the variant may impact the protein, thoug h this information is not predictive enough to determine pathogenicity. Given th e de novo occurrence of this variant in a proband with clinical features of Card io-facio-cutaneous syndrome, this variant is highly likely to be pathogenic. In summary, this variant meets our criteria to be classified as pathogenic.

NM_004333.6(BRAF):c.1720C>T (p.His574Tyr)

Gene: BRAF (B-Raf proto-oncogene, serine/threonine kinase; minus strand). Cytogenetic location: 7q34.
Variant type: single nucleotide variant.
Coding change: c.1720C>T on transcript NM_004333.6 (MANE Select); coding-DNA position 1720, C replaced by T.
Protein change: p.His574Tyr; replaces histidine 574 with tyrosine.
Molecular consequence: missense variant.
Genome position (GRCh38, 1-based): chr7:140,754,208, G>A on the plus strand (C>T on the coding strand, the complement: BRAF is on the minus strand). VCF-style: chr7-140754208-G-A. GRCh37 (hg19) VCF-style: chr7-140454008-G-A.
Other names: c.1720C>T, p.His574Tyr (NM_001354609.2, NM_001378468.1, NM_001378474.1); c.1840C>T, p.His614Tyr (NM_001374244.1, NM_001374258.1); c.1729C>T, p.His577Tyr (NM_001378467.1); c.1654C>T, p.His552Tyr (NM_001378469.1); c.1618C>T, p.His540Tyr (NM_001378470.1); c.1609C>T, p.His537Tyr (NM_001378471.1); c.1564C>T, p.His522Tyr (NM_001378472.1, NM_001378473.1); c.1456C>T, p.His486Tyr (NM_001378475.1); short protein forms H574Y, H522Y, H540Y, H486Y, H614Y, H537Y, H552Y, H577Y.
Identifiers: ClinVar variation 44810 (VCV000044810.6), dbSNP rs397516894, ClinGen allele CA280019.
Genomic context (GRCh38, chr7:140,754,208, plus strand): 5'-ATGTTTTCAAACTTCGCAGACAAATTTCAGGAAGGATACTATTACTCTTGAGGTCTCTGT[G>A]GATGATTGACTTGGCGTGTAAGTAACTGAAAAACAAAACATCATTTTAACCTGAGTAGGG-3'
Protein context (NP_004324.2, residues 564-584): MDYLHAKSII[His574Tyr]RDLKSNNIFL